The following is an entry in ClinVar:

NM_000321.3(RB1):c.364A>G (p.Lys122Glu)

Gene: RB1 (RB transcriptional corepressor 1; plus strand). Cytogenetic location: 13q14.2.
Variant type: single nucleotide variant.
Coding change: c.364A>G on transcript NM_000321.3 (MANE Select); coding-DNA position 364, A replaced by G.
Protein change: p.Lys122Glu; replaces lysine 122 with glutamic acid.
Molecular consequence: missense variant.
Genome position (GRCh38, 1-based): chr13:48,342,698, A>G. VCF-style: chr13-48342698-A-G. GRCh37 (hg19) VCF-style: chr13-48916834-A-G.
Other names: c.364A>G (NM_000321.2); short protein forms K122E.
Identifiers: ClinVar variation 1036746 (VCV001036746.9), dbSNP rs1301539544, ClinGen allele CA388252536.
Genomic context (GRCh38, chr13:48,342,698, plus strand): 5'-TGTATCTTTATTGCAGCAGTTGACCTAGATGAGATGTCGTTCACTTTTACTGAGCTACAG[A>G]AAAACATAGAAATCAGGTAAAGTTTCTTGTATAAATATAAGCCTCTGCCATAAAAGGAAA-3'
Protein context (NP_000312.2, residues 112-132): EMSFTFTELQ[Lys122Glu]NIEISVHKFF

ClinVar aggregate classification (germline): Uncertain significance. Review status: criteria provided, multiple submitters, no conflicts (2 of 4 stars). 2 submissions from 2 submitters: Uncertain significance (2). Last evaluated 2026-07-02.

Conditions:
Hereditary cancer-predisposing syndrome. Also called: Tumor predisposition; Hereditary Cancer Syndrome; Hereditary neoplastic syndrome; Neoplastic Syndromes, Hereditary. Identifiers: Orphanet 140162, MedGen C0027672, MeSH D009386, MONDO:0015356.
Retinoblastoma (RB1). Also called: RETINOBLASTOMA, SOMATIC. Identifiers: Orphanet 790, MedGen C0035335, MeSH D012175, MONDO:0008380, OMIM 180200, HP:0009919. Disease mechanism: loss of function. Inheritance: Both sporadic and heritable forms are tested..

Allele frequency attached by ClinVar (database versions not stated): gnomAD 0.00001; gnomAD exomes below 0.00001; TOPMed below 0.00001.
gnomAD v4.1: 2 of 1,600,748 alleles (0.00012%); highest among the groups gnomAD compares: South Asian, 0.0011%; no homozygotes.

Submissions (2):

Ambry Genetics
Classification: Uncertain significance for Hereditary cancer-predisposing syndrome. Last evaluated: 2026-07-02. Review status: criteria provided, single submitter. Criteria: Ambry Variant Classification Scheme 2023. Collection method: clinical testing. Allele origin: germline.
Comment: The p.K122E variant (also known as c.364A>G), located in coding exon 3 of the RB1 gene, results from an A to G substitution at nucleotide position 364. The lysine at codon 122 is replaced by glutamic acid, an amino acid with similar properties. This amino acid position is conserved. In addition, the in silico prediction for this alteration is inconclusive. Based on the available evidence, the clinical significance of this variant remains unclear.

Labcorp Genetics (formerly Invitae), Labcorp
Classification: Uncertain significance for Retinoblastoma. Last evaluated: 2024-04-22. Review status: criteria provided, single submitter. Criteria: Invitae Variant Classification Sherloc (09022015). Collection method: clinical testing. Allele origin: germline.
Comment: This sequence change replaces lysine, which is basic and polar, with glutamic acid, which is acidic and polar, at codon 122 of the RB1 protein (p.Lys122Glu). This variant is not present in population databases (gnomAD no frequency). This variant has not been reported in the literature in individuals affected with RB1-related conditions. ClinVar contains an entry for this variant (Variation ID: 1036746). Advanced modeling of protein sequence and biophysical properties (such as structural, functional, and spatial information, amino acid conservation, physicochemical variation, residue mobility, and thermodynamic stability) performed at Invitae indicates that this missense variant is not expected to disrupt RB1 protein function with a negative predictive value of 80%. In summary, the available evidence is currently insufficient to determine the role of this variant in disease. Therefore, it has been classified as a Variant of Uncertain Significance.